The following is an entry in ClinVar:

NM_006005.3(WFS1):c.1645C>A (p.Leu549Met)

Gene: WFS1 (wolframin ER transmembrane glycoprotein; plus strand). Cytogenetic location: 4p16.1.
Variant type: single nucleotide variant.
Coding change: c.1645C>A on transcript NM_006005.3 (MANE Select); coding-DNA position 1645, C replaced by A.
Protein change: p.Leu549Met; replaces leucine 549 with methionine.
Molecular consequence: missense variant.
Genome position (GRCh38, 1-based): chr4:6,301,440, C>A. VCF-style: chr4-6301440-C-A. GRCh37 (hg19) VCF-style: chr4-6303167-C-A.
Other names: c.1645C>A, p.Leu549Met (NM_001145853.1); short protein forms L549M.
Identifiers: ClinVar variation 1378166 (VCV001378166.8), dbSNP rs1801211, ClinGen allele CA356176393.

ClinVar aggregate classification (germline): Uncertain significance. Review status: criteria provided, multiple submitters, no conflicts (2 of 4 stars). 2 submissions from 2 submitters: Uncertain significance (2). Last evaluated 2024-02-21.

Conditions:
Cataract 41 (CTRCT41). Also called: CATARACT 41, CONGENITAL NUCLEAR TYPE. Identifiers: Orphanet 91492, Orphanet 98991, Orphanet 98992, Orphanet 98995, MedGen C3805412, MONDO:0007287, OMIM 116400.
Wolfram syndrome 1 (WFS1). Identifiers: Orphanet 3463, MedGen C4551693, MONDO:0009101, OMIM 222300.
Autosomal dominant nonsyndromic hearing loss 6 (LFSNHL). Also called: DEAFNESS, AUTOSOMAL DOMINANT 6; DEAFNESS, AUTOSOMAL DOMINANT 14; DEAFNESS, AUTOSOMAL DOMINANT 38; Autosomal dominant nonsyndromic deafness 6. Identifiers: Orphanet 90635, MedGen C1833021, MONDO:0010963, OMIM 600965.
Wolfram-like syndrome. Also called: HEARING LOSS, PROGRESSIVE, WITH OPTIC ATROPHY AND/OR IMPAIRED GLUCOSE REGULATION. Identifiers: Orphanet 411590, MedGen C3280358, MONDO:0013673, OMIM 614296.
Type 2 diabetes mellitus. Also called: Type II diabetes mellitus. Identifiers: MedGen C0011860, MeSH D003924, MONDO:0005148, OMIM 125853, HP:0005978.

Submissions (2):

Fulgent Genetics
Classification: Uncertain significance for Cataract 41; Type 2 diabetes mellitus; Wolfram syndrome 1; Autosomal dominant nonsyndromic hearing loss 6; Wolfram-like syndrome. Last evaluated: 2024-02-21. Review status: criteria provided, single submitter. Criteria: ACMG Guidelines, 2015. Collection method: clinical testing. Allele origin: germline.

Labcorp Genetics (formerly Invitae), Labcorp
Classification: Uncertain significance. Last evaluated: 2021-08-28. Review status: criteria provided, single submitter. Criteria: Invitae Variant Classification Sherloc (09022015). Collection method: clinical testing. Allele origin: germline.
Comment: In summary, the available evidence is currently insufficient to determine the role of this variant in disease. Therefore, it has been classified as a Variant of Uncertain Significance. Advanced modeling of protein sequence and biophysical properties (such as structural, functional, and spatial information, amino acid conservation, physicochemical variation, residue mobility, and thermodynamic stability) performed at Invitae indicates that this missense variant is not expected to disrupt WFS1 protein function. This variant has not been reported in the literature in individuals affected with WFS1-related conditions. This variant is not present in population databases (ExAC no frequency). This sequence change replaces leucine with methionine at codon 549 of the WFS1 protein (p.Leu549Met). The leucine residue is moderately conserved and there is a small physicochemical difference between leucine and methionine.